The following is an entry in ClinVar:

NM_182931.3(KMT2E):c.2879T>A (p.Ile960Lys)

Gene: KMT2E (lysine methyltransferase 2E (inactive); plus strand). Cytogenetic location: 7q22.3.
Variant type: single nucleotide variant.
Coding change: c.2879T>A on transcript NM_182931.3 (MANE Select); coding-DNA position 2879, T replaced by A.
Protein change: p.Ile960Lys; replaces isoleucine 960 with lysine.
Molecular consequence: missense variant.
Genome position (GRCh38, 1-based): chr7:105,107,197, T>A. VCF-style: chr7-105107197-T-A. GRCh37 (hg19) VCF-style: chr7-104747644-T-A.
Other names: c.2879T>A, p.Ile960Lys (NM_001410908.1, NM_018682.4); short protein forms I960K.
Identifiers: ClinVar variation 3709389 (VCV003709389.2).

ClinVar aggregate classification (germline): Uncertain significance (1 of 4 stars; one submission).

Submission:

Labcorp Genetics (formerly Invitae), Labcorp
Classification: Uncertain significance. Last evaluated: 2025-01-27. Review status: criteria provided, single submitter. Criteria: Invitae Variant Classification Sherloc (09022015). Collection method: clinical testing. Allele origin: germline.
Comment: This sequence change replaces isoleucine, which is neutral and non-polar, with lysine, which is basic and polar, at codon 960 of the KMT2E protein (p.Ile960Lys). This variant is not present in population databases (gnomAD no frequency). This variant has not been reported in the literature in individuals affected with KMT2E-related conditions. Invitae Evidence Modeling of protein sequence and biophysical properties (such as structural, functional, and spatial information, amino acid conservation, physicochemical variation, residue mobility, and thermodynamic stability) indicates that this missense variant is not expected to disrupt KMT2E protein function with a negative predictive value of 80%. In summary, the available evidence is currently insufficient to determine the role of this variant in disease. Therefore, it has been classified as a Variant of Uncertain Significance.